The following is an entry in ClinVar:

NM_004006.3(DMD):c.5476G>C (p.Glu1826Gln)

Gene: DMD (dystrophin; minus strand). Cytogenetic location: Xp21.1.
Variant type: single nucleotide variant.
Coding change: c.5476G>C on transcript NM_004006.3 (MANE Select); coding-DNA position 5476, G replaced by C.
Protein change: p.Glu1826Gln; replaces glutamic acid 1826 with glutamine.
Molecular consequence: missense variant.
Genome position (GRCh38, 1-based): chrX:32,346,053, C>G on the plus strand (G>C on the coding strand, the complement: DMD is on the minus strand). VCF-style: chrX-32346053-C-G. GRCh37 (hg19) VCF-style: chrX-32364170-C-G.
Other names: c.5452G>C, p.Glu1818Gln (NM_000109.4); c.5464G>C, p.Glu1822Gln (NM_004009.3); c.5107G>C, p.Glu1703Gln (NM_004010.3); c.1453G>C, p.Glu485Gln (NM_004011.4); c.1444G>C, p.Glu482Gln (NM_004012.4); short protein forms E1826Q, E485Q, E482Q, E1703Q, E1818Q, E1822Q.
Identifiers: ClinVar variation 228592 (VCV000228592.56), dbSNP rs140913030, ClinGen allele CA10378674.

ClinVar aggregate classification (germline): Conflicting classifications of pathogenicity. Review status: criteria provided, conflicting classifications (1 of 4 stars). 9 submissions from 9 submitters: Uncertain significance (1); Benign (4); Likely benign (3). 1 of the submissions does not count toward it. Last evaluated 2026-01-27.

Conditions:
DMD-related disorder. Also called: DMD-related condition.
Cardiovascular phenotype. Identifiers: MedGen CN230736.
Duchenne muscular dystrophy (DMD). Also called: MUSCULAR DYSTROPHY, PSEUDOHYPERTROPHIC PROGRESSIVE, DUCHENNE TYPE; Duchenne Muscular Dystrophy (DMD). Identifiers: Orphanet 98896, MedGen C0013264, MONDO:0010679, OMIM 310200.

Allele frequency attached by ClinVar (database versions not stated): gnomAD exomes 0.00010 and 0.00025; ExAC 0.00028; gnomAD 0.00071 and 0.00075; ESP Exome Variant Server 0.00076; TOPMed 0.00091; 1000 Genomes Project 30x 0.00208; 1000 Genomes Project 0.00265.
gnomAD v4.1: 209 of 1,207,945 alleles (0.017%); highest among the groups gnomAD compares: African/African-American, 0.32%; no homozygotes.

Submissions (9):

Labcorp Genetics (formerly Invitae), Labcorp
Classification: Likely benign for Duchenne muscular dystrophy. Last evaluated: 2026-01-27. Review status: criteria provided, single submitter. Criteria: Invitae Variant Classification Sherloc (09022015). Collection method: clinical testing. Allele origin: germline.

Blueprint Genetics
Classification: Likely benign. Last evaluated: 2023-06-13. Review status: criteria provided, single submitter. Criteria: ACMG Guidelines, 2015. Collection method: clinical testing. Allele origin: germline.

CeGaT Center for Human Genetics Tuebingen
Classification: Likely benign. Last evaluated: 2022-10-01. Review status: criteria provided, single submitter. Criteria: CeGaT Center For Human Genetics Tuebingen Variant Classification Criteria Version 2. Collection method: clinical testing. Allele origin: germline. Affected: yes. Observed: 1 variant allele.
Comment: DMD: BS1

GeneDx
Classification: Benign. Last evaluated: 2020-10-08. Review status: criteria provided, single submitter. Criteria: GeneDx Variant Classification Process June 2021. Collection method: clinical testing. Allele origin: germline. Affected: yes.

Ambry Genetics
Classification: Benign for Cardiovascular phenotype. Last evaluated: 2019-04-25. Review status: criteria provided, single submitter. Criteria: Ambry Variant Classification Scheme 2023. Collection method: clinical testing. Allele origin: germline.

ARUP Laboratories, Molecular Genetics and Genomics, ARUP Laboratories
Classification: Benign. Last evaluated: 2017-07-25. Review status: criteria provided, single submitter. Criteria: ARUP Molecular Germline Variant Investigation Process. Collection method: clinical testing. Allele origin: germline.

Eurofins Ntd Llc (ga)
Classification: Benign. Last evaluated: 2016-04-20. Review status: criteria provided, single submitter. Criteria: EGL Classification Definitions 2015. Collection method: clinical testing. Allele origin: germline. Observed: 1 variant allele, 1 hemizygote.

Laboratory for Molecular Medicine, Mass General Brigham Personalized Medicine
Classification: Uncertain significance. Last evaluated: 2015-03-19. Review status: criteria provided, single submitter. Criteria: LMM Criteria. Collection method: clinical testing. Allele origin: germline. Observed: 1 variant allele.
Comment: Variant classified as Uncertain Significance - Favor Benign. The p.Glu1826Gln va riant in DMD has not been previously reported in individuals with cardiomyopathy or muscular dystrophy, but has been identified in 0.27% (23/8401) of African ch romosomes by the Exome Aggregation Consortium (ExAC. org; dbSNP rs140913030). Computational prediction tools and conservation analysi s do not provide strong support for or against an impact to the protein, althoug h 2 birds (scarlet macaw and rock pigeon) carry a glutamine (Gln) at this positi on, raising the possibility that this change may be tolerated. In summary, whil e the clinical significance of the p.Glu1826Gln variant is uncertain, its freque ncy and the presence of the variant amino acid in other species suggests that it is more likely to be benign.

PreventionGenetics, part of Exact Sciences
Classification: Likely benign for DMD-related condition. Last evaluated: 2019-02-21. Review status: no assertion criteria provided. Collection method: clinical testing. Allele origin: germline. Not counted in ClinVar's aggregate classification.
Comment: This variant is classified as likely benign based on ACMG/AMP sequence variant interpretation guidelines (Richards et al. 2015 PMID: 25741868, with internal and published modifications).